The following is an entry in ClinVar:

NM_000138.5(FBN1):c.7965G>A (p.Ala2655=)

Gene: FBN1 (fibrillin 1; minus strand). Cytogenetic location: 15q21.1.
Variant type: single nucleotide variant.
Coding change: c.7965G>A on transcript NM_000138.5 (MANE Select); coding-DNA position 7965, G replaced by A.
Protein change: p.Ala2655=; no amino-acid change (alanine 2655 retained).
Molecular consequence: synonymous variant.
Genome position (GRCh38, 1-based): chr15:48,415,622, C>T on the plus strand (G>A on the coding strand, the complement: FBN1 is on the minus strand). VCF-style: chr15-48415622-C-T. GRCh37 (hg19) VCF-style: chr15-48707819-C-T.
Identifiers: ClinVar variation 628687 (VCV000628687.28), dbSNP rs199887650, ClinGen allele CA059383.

ClinVar aggregate classification (germline): Likely benign. Review status: criteria provided, multiple submitters, no conflicts (2 of 4 stars). 6 submissions from 6 submitters: Likely benign (6). Last evaluated 2026-01-19.

Conditions:
Familial thoracic aortic aneurysm and aortic dissection (TAAD). Also called: Thoracic aortic aneurysms and dissections. Identifiers: Orphanet 91387, MedGen C4707243, MONDO:0019625.
Marfan syndrome (MFS). Also called: FBN1-Related Marfan Syndrome; Marfan syndrome type 1; Marfan's syndrome; Marfan syndrome, classic; MARFAN SYNDROME, TYPE I. Identifiers: Orphanet 284963, Orphanet 558, MedGen C0024796, MONDO:0007947, OMIM 154700.

Allele frequency attached by ClinVar (database versions not stated): gnomAD 0.00006 and 0.00005; gnomAD exomes 0.00003 and 0.00002; ExAC 0.00002; 1000 Genomes Project 30x 0.00016; 1000 Genomes Project 0.00020; TOPMed 0.00005.
gnomAD v4.1: 51 of 1,614,212 alleles (0.0032%); highest among the groups gnomAD compares: Admixed American, 0.012%; no homozygotes.

Submissions (6):

Labcorp Genetics (formerly Invitae), Labcorp
Classification: Likely benign for Marfan syndrome; Familial thoracic aortic aneurysm and aortic dissection. Last evaluated: 2026-01-19. Review status: criteria provided, single submitter. Criteria: Invitae Variant Classification Sherloc (09022015). Collection method: clinical testing. Allele origin: germline.

All of Us Research Program, National Institutes of Health
Classification: Likely benign for Marfan syndrome. Last evaluated: 2024-02-05. Review status: criteria provided, single submitter. Criteria: ACMG Guidelines, 2015. Collection method: clinical testing. Allele origin: germline. Inheritance: Autosomal dominant inheritance. Observed: 11 variant alleles, 11 heterozygotes.
Comment: This study involves interpretation of variants in research participants for the purpose of population health screening. Participant phenotype was not available at the time of variant classification. Additional details can be found in publication PMID: 35346344, PMCID: PMC8962531

Ambry Genetics
Classification: Likely benign for Familial thoracic aortic aneurysm and aortic dissection. Last evaluated: 2024-01-12. Review status: criteria provided, single submitter. Criteria: Ambry Variant Classification Scheme 2023. Collection method: clinical testing. Allele origin: germline.

Blueprint Genetics
Classification: Likely benign. Last evaluated: 2019-09-18. Review status: criteria provided, single submitter. Criteria: ACMG Guidelines, 2015. Collection method: clinical testing. Allele origin: germline.

GeneDx
Classification: Likely benign. Last evaluated: 2019-07-10. Review status: criteria provided, single submitter. Criteria: GeneDx Variant Classification Process June 2021. Collection method: clinical testing. Allele origin: germline. Affected: yes.

Color Diagnostics, LLC DBA Color Health
Classification: Likely benign for Familial thoracic aortic aneurysm and aortic dissection. Last evaluated: 2018-06-11. Review status: criteria provided, single submitter. Criteria: ACMG Guidelines, 2015. Collection method: clinical testing. Allele origin: germline.